The following is an entry in ClinVar:

ClinVar aggregate classification (germline): Benign. Review status: criteria provided, multiple submitters, no conflicts (2 of 4 stars). 7 submissions from 7 submitters: Benign (6). 1 of the submissions does not count toward it. Last evaluated 2026-02-01.

Conditions:
Disorders of Intracellular Cobalamin Metabolism. Identifiers: MedGen CN043592.
Methylcobalamin deficiency type cblE (HMAE). Also called: HOMOCYSTINURIA-MEGALOBLASTIC ANEMIA, cblE COMPLEMENTATION TYPE; HOMOCYSTINURIA-MEGALOBLASTIC ANEMIA, cblE TYPE; VITAMIN B12-RESPONSIVE HOMOCYSTINURIA, cblE TYPE. Identifiers: Orphanet 2169, Orphanet 622, MedGen C1856057, MONDO:0009354, OMIM 236270.

Allele frequency attached by ClinVar (database versions not stated): 1000 Genomes Project 0.00899; 1000 Genomes Project 30x 0.00937; gnomAD exomes 0.01572 and 0.02054; ExAC 0.01606; gnomAD 0.01735 and 0.01824; TOPMed 0.01788; ESP Exome Variant Server 0.02099.
gnomAD v4.1: 32,587 of 1,614,144 alleles (2%); highest among the groups gnomAD compares: Non-Finnish European, 2.4%; 366 homozygotes.

Submissions (7):

Labcorp Genetics (formerly Invitae), Labcorp
Classification: Benign for Methylcobalamin deficiency type cblE. Last evaluated: 2026-02-01. Review status: criteria provided, single submitter. Criteria: Invitae Variant Classification Sherloc (09022015). Collection method: clinical testing. Allele origin: germline.

ARUP Laboratories, Molecular Genetics and Genomics, ARUP Laboratories
Classification: Benign. Last evaluated: 2023-09-13. Review status: criteria provided, single submitter. Criteria: ARUP Molecular Germline Variant Investigation Process 2024. Collection method: clinical testing. Allele origin: germline.

Mayo Clinic Laboratories, Mayo Clinic
Classification: Benign. Last evaluated: 2023-08-15. Review status: criteria provided, single submitter. Criteria: ACMG Guidelines, 2015. Collection method: clinical testing. Allele origin: germline. Observed: 6 variant alleles.
Comment: BA1, BP4, BP7

Illumina Laboratory Services, Illumina
Classification: Benign for Disorders of Intracellular Cobalamin Metabolism. Last evaluated: 2018-01-13. Review status: criteria provided, single submitter. Criteria: ICSL Variant Classification Criteria 13 December 2019. Collection method: clinical testing. Allele origin: germline.
Comment: This variant was observed in the ICSL laboratory as part of a predisposition screen in an ostensibly healthy population. It had not been previously curated by ICSL or reported in the Human Gene Mutation Database (HGMD: prior to June 1st, 2018), and was therefore a candidate for classification through an automated scoring system. Utilizing variant allele frequency, disease prevalence and penetrance estimates, and inheritance mode, an automated score was calculated to assess if this variant is too frequent to cause the disease. Based on the score and internal cut-off values, a variant classified as benign is not then subjected to further curation. The score for this variant resulted in a classification of benign for this disease.

GeneDx
Classification: Benign. Last evaluated: 2014-05-16. Review status: criteria provided, single submitter. Criteria: GeneDx Variant Classification (06012015). Collection method: clinical testing. Allele origin: germline. Affected: yes.
Comment: This variant is considered likely benign or benign based on one or more of the following criteria: it is a conservative change, it occurs at a poorly conserved position in the protein, it is predicted to be benign by multiple in silico algorithms, and/or has population frequency not consistent with disease.

Breakthrough Genomics
Classification: Benign. Review status: criteria provided, single submitter. Criteria: ACMG Guidelines, 2015. Collection method: not provided. Allele origin: germline. Inheritance: Autosomal recessive inheritance. Affected: yes.

Natera, Inc.
Classification: Benign for CblE complementation type homocystinuria-megaloblastic anemia due to defect in cobalamin metabolism. Last evaluated: 2020-09-16. Review status: no assertion criteria provided. Collection method: clinical testing. Allele origin: germline. Not counted in ClinVar's aggregate classification.

NM_002454.3(MTRR):c.1536C>T (p.Ser512=)

Gene: MTRR (5-methyltetrahydrofolate-homocysteine methyltransferase reductase; plus strand). Cytogenetic location: 5p15.31.
Variant type: single nucleotide variant.
Coding change: c.1536C>T on transcript NM_002454.3 (MANE Select); coding-DNA position 1536, C replaced by T.
Protein change: p.Ser512=; no amino-acid change (serine 512 retained).
Molecular consequence: synonymous variant. On other transcripts: non-coding transcript variant (14).
Genome position (GRCh38, 1-based): chr5:7,892,892, C>T. VCF-style: chr5-7892892-C-T. GRCh37 (hg19) VCF-style: chr5-7893005-C-T.
Other names: p.S539S:AGC>AGT; p.Ser512=; c.1536C>T, p.Ser512= (NM_001364440.2, NM_001364441.2, NM_001364442.2 and 1 more transcripts).
Identifiers: ClinVar variation 138297 (VCV000138297.27), dbSNP rs34172797, ClinGen allele CA292230.